The following is an entry in ClinVar:

NM_024675.4(PALB2):c.1869G>A (p.Lys623=)

Gene: PALB2 (partner and localizer of BRCA2; minus strand). Cytogenetic location: 16p12.2.
Variant type: single nucleotide variant.
Coding change: c.1869G>A on transcript NM_024675.4 (MANE Select); coding-DNA position 1869, G replaced by A.
Protein change: p.Lys623=; no amino-acid change (lysine 623 retained).
Molecular consequence: synonymous variant.
Genome position (GRCh38, 1-based): chr16:23,630,285, C>T on the plus strand (G>A on the coding strand, the complement: PALB2 is on the minus strand). VCF-style: chr16-23630285-C-T. GRCh37 (hg19) VCF-style: chr16-23641606-C-T.
Identifiers: ClinVar variation 460914 (VCV000460914.18), dbSNP rs1555460612, ClinGen allele CA494461223.

ClinVar aggregate classification (germline): Benign/Likely benign. Review status: criteria provided, multiple submitters, no conflicts (2 of 4 stars). 4 submissions from 4 submitters: Benign (1); Likely benign (3). Last evaluated 2025-01-14.

Conditions:
Hereditary cancer-predisposing syndrome. Also called: Neoplastic Syndromes, Hereditary; Hereditary Cancer Syndrome; Hereditary neoplastic syndrome; Tumor predisposition. Identifiers: Orphanet 140162, MedGen C0027672, MeSH D009386, MONDO:0015356.
Familial cancer of breast. Also called: BREAST CANCER, FAMILIAL; Hereditary breast cancer; hereditary breast carcinoma. Identifiers: Orphanet 227535, MedGen C0346153, MONDO:0016419, OMIM 114480. Disease mechanism: loss of function.

Allele frequency attached by ClinVar (database versions not stated): gnomAD exomes below 0.00001.
gnomAD v4.1: 2 of 1,614,148 alleles (0.00012%); highest among the groups gnomAD compares: South Asian, 0.0011%; no homozygotes.

Submissions (4):

Myriad Genetics, Inc.
Classification: Benign for Familial cancer of breast. Last evaluated: 2025-01-14. Review status: criteria provided, single submitter. Criteria: Myriad Autosomal Dominant, Autosomal Recessive and X-Linked Classification Criteria (2023). Collection method: clinical testing. Allele origin: unknown.
Comment: This variant is considered benign. This variant is a silent/synonymous amino acid change and it is not expected to impact splicing.

Labcorp Genetics (formerly Invitae), Labcorp
Classification: Likely benign for Familial cancer of breast. Last evaluated: 2024-07-21. Review status: criteria provided, single submitter. Criteria: Invitae Variant Classification Sherloc (09022015). Collection method: clinical testing. Allele origin: germline.

Ambry Genetics
Classification: Likely benign for Hereditary cancer-predisposing syndrome. Last evaluated: 2020-03-24. Review status: criteria provided, single submitter. Criteria: Ambry Variant Classification Scheme 2023. Collection method: clinical testing. Allele origin: germline.

Color Diagnostics, LLC DBA Color Health
Classification: Likely benign for Hereditary cancer-predisposing syndrome. Last evaluated: 2017-08-20. Review status: criteria provided, single submitter. Criteria: ACMG Guidelines, 2015. Collection method: clinical testing. Allele origin: germline.